The following is an entry in ClinVar:

NM_138927.4(SON):c.4165del (p.Val1388_Val1389insTer)

Gene: SON (SON DNA and RNA binding protein; plus strand). Cytogenetic location: 21q22.11.
Variant type: Deletion.
Coding change: c.4165del on transcript NM_138927.4 (MANE Select); coding-DNA position 4165, one base deleted (G; older notation c.4165delG).
Protein change: p.Val1388_Val1389insTer.
Molecular consequence: nonsense. On other transcripts: non-coding transcript variant (1), intron variant (1).
Genome position (GRCh38, 1-based): chr21:33,553,396, G deleted. VCF-style (leftmost placement, unchanged base first): chr21-33553395-TG-T. GRCh37 (hg19) VCF-style: chr21-34925701-TG-T.
Other names: c.4165del, p.Val1388_Val1389insTer (NM_001291411.2, NM_032195.3); c.245-3760del (NM_001291412.3).
Identifiers: ClinVar variation 3377312 (VCV003377312.1).

ClinVar aggregate classification (germline): Pathogenic (1 of 4 stars; one submission).

Conditions:
ZTTK syndrome (ZTTKS). Also called: Zhu-Tokita-Takenouchi-Kim Syndrome; ZTTK MULTIPLE CONGENITAL ANOMALIES-MENTAL RETARDATION SYNDROME. Identifiers: Orphanet 500150, MedGen C4310696, MONDO:0014936, OMIM 617140.

Submission:

Victorian Clinical Genetics Services, Murdoch Childrens Research Institute
Classification: Pathogenic for ZTTK syndrome. Last evaluated: 2024-10-11. Review status: criteria provided, single submitter. Criteria: ACMG Guidelines, 2015. Collection method: clinical testing. Allele origin: germline. Inheritance: Autosomal dominant inheritance. Affected: yes.
Comment: Based on the classification scheme VCGS_Germline_v1.3.5, this variant is classified as Pathogenic. Following criteria are met: 0102 - Loss of function is a known mechanism of disease in this gene and is associated with ZTTK syndrome (MIM#617140). (I) 0107 - This gene is associated with autosomal dominant disease. (I) 0201 - Variant is predicted to cause nonsense-mediated decay (NMD) and loss of protein (premature termination codon is located at least 54 nucleotides upstream of the final exon-exon junction). (SP) 0251 - This variant is heterozygous. (I) 0301 - Variant is absent from gnomAD (v2, v3 and v4). (SP) 0701 - Other NMD-predicted variants comparable to the one identified in this case have very strong previous evidence for pathogenicity. Many NMD-predicted variants have been reported as pathogenic or likely pathogenic (ClinVar, DECIPHER). (SP) 0807 - This variant has no previous evidence of pathogenicity. (I) 0905 - No published segregation evidence has been identified for this variant. (I) 1007 - No published functional evidence has been identified for this variant. (SP) Legend: (SP) - Supporting pathogenic, (I) - Information, (SB) - Supporting benign